The following is an entry in ClinVar:

ClinVar aggregate classification (germline): Pathogenic (1 of 4 stars; one submission).

Conditions:
DeSanto-Shinawi syndrome due to WAC point mutation (DESSH). Also called: DEVELOPMENTAL DELAY, BEHAVIORAL ABNORMALITIES, FACIAL DYSMORPHISM, AND OCULAR ABNORMALITIES; Facial dysmorphism-developmental delay-behavioral abnormalities syndrome due to WAC point mutation; WAC-Related Intellectual Disability. Identifiers: Orphanet 284169, Orphanet 466950, MedGen C5681129, MONDO:0014741, OMIM 616708.

Submission:

Institute of Medical Genetics and Applied Genomics, University Hospital Tübingen
Classification: Pathogenic for DeSanto-Shinawi syndrome due to WAC point mutation. Last evaluated: 2023-11-09. Review status: criteria provided, single submitter. Criteria: ACMG Guidelines, 2015. Collection method: clinical testing. Allele origin: germline. Inheritance: Autosomal dominant inheritance. Affected: yes.

NM_016628.5(WAC):c.284dup (p.Tyr95Ter)

Gene: WAC (WW domain containing adaptor with coiled-coil; plus strand). Cytogenetic location: 10p12.1.
Variant type: Duplication.
Coding change: c.284dup on transcript NM_016628.5 (MANE Select); coding-DNA position 284, one base duplicated (A; older notation c.284dupA).
Protein change: p.Tyr95Ter; replaces tyrosine 95 with a stop codon.
Molecular consequence: nonsense.
Genome position (GRCh38, 1-based): chr10:28,583,408, A duplicated. VCF-style (leftmost placement, unchanged base first): chr10-28583407-T-TA. GRCh37 (hg19) VCF-style: chr10-28872336-T-TA.
Other names: c.149dup, p.Tyr50Ter (NM_100264.3); c.284dup, p.Tyr95Ter (NM_100486.4); short protein forms Y50*, Y95*.
Identifiers: ClinVar variation 2627951 (VCV002627951.1), dbSNP rs2491926489, ClinGen allele CA2586963924.